The following is an entry in ClinVar:

ClinVar aggregate classification (germline): Pathogenic/Likely pathogenic. Review status: criteria provided, multiple submitters, no conflicts (2 of 4 stars). 11 submissions from 11 submitters: Pathogenic (7); Likely pathogenic (1). 3 of the submissions do not count toward it. Last evaluated 2025-11-28.

Conditions:
Early-infantile DEE. Also called: Ohtahara syndrome; Early infantile epileptic encephalopathy with suppression bursts; Early infantile epileptic encephalopathy. Identifiers: Orphanet 1934, MedGen C0393706, MONDO:0800491.
Autosomal dominant SCN1A-related disorders.
SCN1A-related disorder. Also called: SCN1A-related conditions; SCN1A-related condition; SCN1A-related disorders.
Inborn genetic diseases. Identifiers: MedGen C0950123, MeSH D030342.
Generalized epilepsy with febrile seizures plus, type 2 (GEFSP2). Also called: GEFS+, TYPE 2. Identifiers: Orphanet 36387, MedGen C1858673, MONDO:0011461, OMIM 604403.
Severe myoclonic epilepsy in infancy (DRVT). Also called: SEVERE MYOCLONIC EPILEPSY OF INFANCY; Dravet syndrome; Severe Myoclonic Epilepsy in Infancy (SMEI); DEVELOPMENTAL AND EPILEPTIC ENCEPHALOPATHY 6A; Epileptic encephalopathy, early infantile, 6 (Dravet syndrome). Identifiers: Orphanet 33069, MedGen C0751122, MONDO:0100135, OMIM 607208.
Generalized epilepsy with febrile seizures plus, type 1 (GEFSP1). Also called: GEFS+, TYPE 1. Identifiers: Orphanet 36387, MedGen C1858672, MONDO:0011416, OMIM 604233.
Seizure. Also called: Seizures. Identifiers: MedGen C0036572, HP:0001250.

Allele frequency attached by ClinVar (database versions not stated): gnomAD exomes below 0.00001.
gnomAD v4.1: 2 of 1,613,024 alleles (0.00012%); highest among the groups gnomAD compares: Non-Finnish European, 0.00017%; no homozygotes.

Submissions (12):

Variantyx, Inc.
Classification: Pathogenic for Autosomal dominant SCN1A-related disorders. Last evaluated: 2025-11-28. Review status: criteria provided, single submitter. Criteria: Variantyx Assertion Criteria 2022. Collection method: clinical testing. Allele origin: germline. Inheritance: Autosomal dominant inheritance. Affected: yes.
Comment: This is a nonsynonymous variant in the SCN1A gene (OMIM: 182389). Pathogenic variants in this gene have been associated with autosomal dominant SCN1A-related disorders. This variant has been reported in several unrelated affected individuals (PMID: 23195492, 31440721, 35074891) (PS4) and it has been observed to segregate with disease in at least 7individuals from one family (PMID: 10742094) (PP1). Functional studies have shown that this variant alters SCN1A protein function (PMID: 11422459, 12086636, 11567038, 14702334) (PS3), and multiple computational algorithms predict a deleterious effect for this variant (REVEL score: 0.983) (PP3). This variant has a 0.0002% maximum allele frequency in non-founder control populations. Inheritance from an unaffected or mildly affected parent has been reported in the SCN1A gene, consistent with incomplete penetrance and/or variable expressivity (PMID:20301494). Based on the current evidence, this variant is classified as pathogenic for autosomal dominant SCN1A-related disorders.

Labcorp Genetics (formerly Invitae), Labcorp
Classification: Pathogenic for Early-infantile DEE. Last evaluated: 2025-10-10. Review status: criteria provided, single submitter. Criteria: Invitae Variant Classification Sherloc (09022015). Collection method: clinical testing. Allele origin: germline.
Comment: This sequence change replaces threonine, which is neutral and polar, with methionine, which is neutral and non-polar, at codon 875 of the SCN1A protein (p.Thr875Met). This variant is not present in population databases (gnomAD no frequency). This missense change has been observed in individual(s) with generalized epilepsy with febrile seizures plus in a family (GEFS+) and borderline severe myoclonic epilepsy in infancy (SMEB) (PMID: 10742094, 23195492; internal data). It has also been observed to segregate with disease in related individuals. ClinVar contains an entry for this variant (Variation ID: 12883). Invitae Evidence Modeling of protein sequence and biophysical properties (such as structural, functional, and spatial information, amino acid conservation, physicochemical variation, residue mobility, and thermodynamic stability) indicates that this missense variant is expected to disrupt SCN1A protein function with a positive predictive value of 95%. Experimental studies have shown that this missense change affects SCN1A function (PMID: 11567038, 12086636, 14702334). This variant disrupts the p.Thr875 amino acid residue in SCN1A. Other variant(s) that disrupt this residue have been determined to be pathogenic (PMID: 18930999, 20522430, 28192756). This suggests that this residue is clinically significant, and that variants that disrupt this residue are likely to be disease-causing. For these reasons, this variant has been classified as Pathogenic.

GeneDx
Classification: Pathogenic. Last evaluated: 2024-05-16. Review status: criteria provided, single submitter. Criteria: GeneDx Variant Classification Process June 2021. Collection method: clinical testing. Allele origin: germline. Affected: yes.
Comment: Reported previously in association with GEFS+ and severe myoclonic epilepsy of infancy, borderline phenotype (PMID: 23195492, 10742094, 18804930); Published functional studies demonstrate a damaging effect and show that this variant impairs the channel function by enhancing channel inactivation (PMID: 11422459, 11567038, 12086636); In silico analysis supports that this missense variant has a deleterious effect on protein structure/function; Not observed at significant frequency in large population cohorts (gnomAD); This substitution is predicted to be within the intracellular loop between with S4 and S5 transmembrane segments of the second homologous domain; This variant is associated with the following publications: (PMID: 14672992, 11422459, 14702334, 11567038, 12086636, 23195492, 16550559, 18804930, 20831750, 31440721, 35074891, 28717674, 10742094, 36672771)

Cytogénomique, Hospices Civils de Lyon
Classification: Pathogenic for Seizures. Last evaluated: 2024-05-14. Review status: criteria provided, single submitter. Criteria: ACMG Guidelines, 2015. Collection method: clinical testing. Allele origin: unknown. Affected: yes. Observed: 1 variant allele, 1 compound heterozygote.

3billion
Classification: Pathogenic for Generalized epilepsy with febrile seizures plus, type 2. Last evaluated: 2022-03-22. Review status: criteria provided, single submitter. Criteria: ACMG Guidelines, 2015. Collection method: clinical testing. Allele origin: germline. Affected: yes. Observed: 1 heterozygote.
Comment: The variant has been observed in at least two similarly affected unrelated individuals (PMID: 10742094, 23195492) and has been reported to co-segregate with the disease in at least 7 similarly affected relatives/individuals in at least two unrelated families (PMID: 10742094, 23195492). Functional studies provide strong evidence of the variant having a damaging effect on the gene or gene product (PMID: 12086636, 11567038, 14702334). In silico tool predictions suggest damaging effect of the variant on gene or gene product (REVEL: 0.983>=0.6, 3CNET: 0.989>=0.75). It is not observed in the gnomAD v2.1.1 dataset. Different pathogenic/likely pathogenic amino acid change has been reported with supporting evidence at the same codon (PMID:18930999). Therefore, this variant is classified as pathogenic according to the recommendation of ACMG/AMP guideline.

CeGaT Center for Human Genetics Tuebingen
Classification: Pathogenic. Last evaluated: 2021-07-01. Review status: criteria provided, single submitter. Criteria: CeGaT Center For Human Genetics Tuebingen Variant Classification Criteria Version 2. Collection method: clinical testing. Allele origin: germline. Affected: yes. Observed: 2 variant alleles.

Institute of Human Genetics, University of Leipzig Medical Center
Classification: Pathogenic for Severe myoclonic epilepsy in infancy. Last evaluated: 2017-06-20. Review status: criteria provided, single submitter. Criteria: ACMG Guidelines, 2015. Collection method: clinical testing. Allele origin: de novo. Affected: yes. Observed: 1 variant allele.
Comment: This variant was identified as de novo (maternity and paternity confirmed).

Ambry Genetics
Classification: Likely pathogenic for Inborn genetic diseases. Last evaluated: 2016-10-06. Review status: criteria provided, single submitter. Criteria: Ambry Variant Classification Scheme 2023. Collection method: clinical testing. Allele origin: germline.
Comment: The p.T875M variant (also known as c.2624C>T), located in coding exon 15 of the SCN1A gene, results from a C to T substitution at nucleotide position 2624. The threonine at codon 875 is replaced by methionine, an amino acid with similar properties. This variant was originally identified in eleven affected members of a family with generalized epilepsy with febrile seizures plus type 2 (Escayg A et al. Nat. Genet., 2000 Apr;24:343-5). This alteration was also reported in a patient with severe myoclonic epilepsy borderline (Wang JW et al. Epilepsy Res., 2012 Dec;102:195-200). This variant was previously reported in the SNPDatabase as rs121918623, but not in NHLBI Exome Sequencing Project (ESP) and 1000 Genomes Project. In the ESP, this variant was not observed in 6502 samples (13004 alleles) with coverage at this position. This amino acid position is highly conserved in available vertebrate species. Based on the majority of available evidence to date, this variant is likely to be pathogenic.

PreventionGenetics, part of Exact Sciences
Classification: Pathogenic for SCN1A-related condition. Last evaluated: 2024-06-26. Review status: no assertion criteria provided. Collection method: clinical testing. Allele origin: germline. Not counted in ClinVar's aggregate classification.
Comment: The SCN1A c.2624C>T variant is predicted to result in the amino acid substitution p.Thr875Met. This variant was reported in multiple individuals with generalized epilepsy with febrile seizures plus (see for example, Escayg et al. 2000. PubMed ID: 10742094). It has been reported to be de novo and segregate with disease (Table S1, Halfmeyer et al. 2022. PubMed ID: 36672771; Escayg et al. 2000. PubMed ID: 10742094). Functional studies indicate this variant affects protein function (Spampanato et al. 2004. PubMed ID: 14702334). This variant has not been reported in a large population database, indicating this variant is rare. This variant is interpreted as pathogenic.

OMIM
Classification: Pathogenic for GENERALIZED EPILEPSY WITH FEBRILE SEIZURES PLUS, TYPE 2. Last evaluated: 2000-04-01. Review status: no assertion criteria provided. Collection method: literature only. Allele origin: germline. Not counted in ClinVar's aggregate classification.

Channelopathy-Associated Epilepsy Research Center
No classification provided (evidence only). Condition: Severe myoclonic epilepsy in infancy. Review status: no classification provided. Collection method: literature only. Allele origin: not applicable. Functional consequence: Severe increase in persistent current, Normal peak current, Normal fast inactivation, Mild depolarizing shift of voltage dependence of fast inactivation, Slowing of recovery from fast inactivation, Normal rate of activation, Normal voltage dependence of activation, Normal slope of activation, Normal slope of fast inactivation, Overall gain-of-function effect with respect to biophysical channel activity. Not counted in ClinVar's aggregate classification.
ClinVar note: "not provided" was previously submitted as the classification for the variant. However, the classification appeared to be based only on an observation of functional data so it was converted to no classification on 2025-07-30.

UniProtKB/Swiss-Prot
No classification provided. Condition: Generalized epilepsy with febrile seizures plus, type 1. Review status: no classification provided. Collection method: not provided. Allele origin: not provided. Not counted in ClinVar's aggregate classification.

Literature cited by the submitters: PubMed 11422459 (cited by Variantyx, Inc.); PubMed 12086636 (cited by 4 submitters); PubMed 11567038 (cited by 3 submitters); PubMed 14702334 (cited by 3 submitters); PubMed 10742094 (cited by 5 submitters); PubMed 35074891 (cited by Variantyx, Inc.); PubMed 23195492 (cited by 4 submitters); PubMed 31440721 (cited by Variantyx, Inc.); PubMed 18930999 (cited by Labcorp Genetics (formerly Invitae), Labcorp and 3billion); PubMed 20522430 (cited by Labcorp Genetics (formerly Invitae), Labcorp); PubMed 28192756 (cited by Labcorp Genetics (formerly Invitae), Labcorp); PubMed 10521305 (cited by OMIM).

NM_001165963.4(SCN1A):c.2624C>T (p.Thr875Met)

Gene: SCN1A (sodium voltage-gated channel alpha subunit 1; minus strand). Cytogenetic location: 2q24.3.
Variant type: single nucleotide variant.
Coding change: c.2624C>T on transcript NM_001165963.4 (MANE Select); coding-DNA position 2624, C replaced by T.
Protein change: p.Thr875Met; replaces threonine 875 with methionine.
Molecular consequence: missense variant. On other transcripts: non-coding transcript variant (1).
Genome position (GRCh38, 1-based): chr2:166,038,098, G>A on the plus strand (C>T on the coding strand, the complement: SCN1A is on the minus strand). VCF-style: chr2-166038098-G-A. GRCh37 (hg19) VCF-style: chr2-166894608-G-A.
Other names: c.2624C>T (NM_001202435.1); c.2540C>T, p.Thr847Met (NM_001165964.3, NM_001353957.2, NM_001353958.2); c.2624C>T, p.Thr875Met (NM_001202435.3, NM_001353948.2); c.2591C>T, p.Thr864Met (NM_001353949.2, NM_001353950.2, NM_001353951.2 and 2 more transcripts); c.2588C>T, p.Thr863Met (NM_001353954.2, NM_001353955.2); c.2537C>T, p.Thr846Met (NM_001353960.2); c.182C>T, p.Thr61Met (NM_001353961.2); short protein forms T875M, T864M, T61M, T846M, T863M, T847M.
Identifiers: ClinVar variation 12883 (VCV000012883.58), dbSNP rs121918623, ClinGen allele CA256587.